The following is an entry in ClinVar:

NM_004333.6(BRAF):c.1820C>T (p.Ser607Phe)

Gene: BRAF (B-Raf proto-oncogene, serine/threonine kinase; minus strand). Cytogenetic location: 7q34.
Variant type: single nucleotide variant.
Coding change: c.1820C>T on transcript NM_004333.6 (MANE Select); coding-DNA position 1820, C replaced by T.
Protein change: p.Ser607Phe; replaces serine 607 with phenylalanine.
Molecular consequence: missense variant.
Genome position (GRCh38, 1-based): chr7:140,753,315, G>A on the plus strand (C>T on the coding strand, the complement: BRAF is on the minus strand). VCF-style: chr7-140753315-G-A. GRCh37 (hg19) VCF-style: chr7-140453115-G-A.
Other names: NM_004333.6(BRAF):c.1820C>T; p.Ser607Phe; c.1820C>T, p.Ser607Phe (NM_001354609.2, NM_001378468.1, NM_001378474.1); c.1940C>T, p.Ser647Phe (NM_001374244.1, NM_001374258.1); c.1829C>T, p.Ser610Phe (NM_001378467.1); c.1754C>T, p.Ser585Phe (NM_001378469.1); c.1718C>T, p.Ser573Phe (NM_001378470.1); c.1709C>T, p.Ser570Phe (NM_001378471.1); and 2 more; short protein forms S519F, S555F, S570F, S573F, S585F, S607F, S610F, S647F.
Identifiers: ClinVar variation 977327 (VCV000977327.7), dbSNP rs1255101216, ClinGen allele CA369542904.
Genomic context (GRCh38, chr7:140,753,315, plus strand): 5'-AAAATAGCCTCAATTCTTACCATCCACAAAATGGATCCAGACAACTGTTCAAACTGATGG[G>A]ACCCACTCCATCGAGATTTCACTGTAGCTAGACCAAAATCACCTATTTTTACTGTGAGGT-3'
Protein context (NP_004324.2, residues 597-617): LATVKSRWSG[Ser607Phe]HQFEQLSGSI

ClinVar aggregate classification (germline): Uncertain significance. Review status: reviewed by expert panel (3 of 4 stars). 4 submissions from 4 submitters: Uncertain significance (1). 3 of the submissions do not count toward it. Last evaluated 2026-02-11.

Conditions:
Cardiofaciocutaneous syndrome 1 (CFC1). Also called: BRAF-Related Cardiofaciocutaneous Syndrome; MAP2K1-Related Cardiofaciocutaneous Syndrome; KRAS-Related Cardiofaciocutaneous Syndrome; MAP2K2-Related Cardiofaciocutaneous Syndrome. Identifiers: Orphanet 1340, MedGen CN029449, MONDO:0007265, OMIM 115150. Disease mechanism: gain of function.
RASopathy. Also called: rasopathies; Noonan spectrum disorder. Identifiers: Orphanet 536391, MedGen C5555857, MONDO:0021060.

gnomAD v4.1: 1 of 1,612,616 alleles (0.000062%); highest among the groups gnomAD compares: Non-Finnish European, 0.000085%; no homozygotes.

Submissions (4):

ClinGen RASopathy Variant Curation Expert Panel
Classification: Uncertain significance for RASopathy. Last evaluated: 2026-02-11. Review status: reviewed by expert panel. Criteria: ClinGen RASopathy ACMG Specifications BRAF V2.3.0. Collection method: curation. Allele origin: germline. Inheritance: Autosomal dominant inheritance.
Comment: The NM_004333.6(BRAF):c.1820C>T (p.Ser607Phe) variant in BRAF is a missense variant predicted to cause substitution of serine by phenylalanine at amino acid 607 (p.Ser607Phe). This variant is absent from gnomAD v2.1.1 (PM2_supporting). The computational predictor REVEL gives a score of 0.76 for this variant (for the MANE select transcript), which is above the threshold of 0.7, evidence that correlates with impact to BRAF function (PP3). No REVEL score was available for the MANE Plus Clinical Transcript. This variant resides within the CR3 region, [amino acids 594-627], of BRAF that is defined as a critical functional domain by the ClinGen RASopathy VCEP (PM1). ERK1/2 and BRAF showed comparable phosphorylation between the mutant and the wild-type in HEK293 cells, indicating that this variant does not significantly impact protein function (no codes met; PMID: 32059434). In summary, this variant meets the criteria to be classified as a variant of uncertain significance for autosomal dominant RASopathy based on the ACMG/AMP criteria applied, as specified by the ClinGen RASopathy VCEP: PM2_supporting, PP3, PM1. (ClinGen RASopathy VCEP Specifications Version 2.3.0).

GeneDx
Classification: Likely pathogenic. Last evaluated: 2025-09-09. Review status: criteria provided, single submitter. Criteria: GeneDx Variant Classification Process June 2021. Collection method: clinical testing. Allele origin: germline. Affected: yes. Not counted in ClinVar's aggregate classification.
Comment: Previously reported as a rare variant in an individual from a large neurodevelopmental disorders cohort; however phenotypic details and inheritance were not reported (PMID: 33004838); Not observed at significant frequency in large population cohorts (gnomAD); Missense variants in this gene are a common cause of disease and they are underrepresented in the general population; In silico analysis supports that this missense variant has a deleterious effect on protein structure/function; This variant is associated with the following publications: (PMID: Zach2017[Somatic], 23861977, 32059434, 35712493, 33004838, 24957944, 15488754, 16439621, 15520807, 17603483, 29493581, 39749519)

Institute of Human Genetics, University of Leipzig Medical Center
Classification: Uncertain significance for Cardiofaciocutaneous syndrome 1. Last evaluated: 2025-03-04. Review status: criteria provided, single submitter. Criteria: ACMG Guidelines, 2015. Collection method: clinical testing. Allele origin: unknown. Inheritance: Autosomal dominant inheritance. Affected: yes. Not counted in ClinVar's aggregate classification.
Comment: Criteria applied: PM1,PP2,PP3

Institute of Human Genetics, University of Goettingen
Classification: Uncertain significance for Cardiofaciocutaneous syndrome 1. Last evaluated: 2020-04-20. Review status: criteria provided, single submitter. Criteria: ACMG Guidelines, 2015. Collection method: clinical testing. Allele origin: unknown. Inheritance: Autosomal dominant inheritance. Affected: yes. Observed: 1 heterozygote. Not counted in ClinVar's aggregate classification.
Comment: The c.1820C>T BRAF-variant (p.(Ser607Phe)) is not found in known databases (ExAC or gnomAD) and has a pathogenic pathogenic computational verdict due 4 pathogenic predictions from SIFT, MutationTaster, PolyPhen-2, M-CAP. The variant affects a Highly conserved nucleotide, a highly conserved amino acid and there is a large physicochemical difference between Ser and Phe. ACMG criteria used for classification: PM2, PP2, PP3.